The following is an entry in ClinVar:

ClinVar aggregate classification (germline): Conflicting classifications of pathogenicity. Review status: criteria provided, conflicting classifications (1 of 4 stars). 7 submissions from 7 submitters: Likely pathogenic (1); Uncertain significance (6). Last evaluated 2025-05-30.

Conditions:
Type 2 diabetes mellitus. Also called: Type II diabetes mellitus. Identifiers: MedGen C0011860, MeSH D003924, MONDO:0005148, OMIM 125853, HP:0005978.
Diabetes mellitus, transient neonatal, 2 (TNDM2). Identifiers: Orphanet 99886, MedGen C1835887, MONDO:0012480, OMIM 610374. Disease mechanism: loss of function.
Diabetes mellitus, permanent neonatal 3. Also called: ABCC8-Related Permanent Neonatal Diabetes Mellitus. Identifiers: MedGen C5394303, MONDO:0030088, OMIM 618857.
Pulmonary arterial hypertension. Identifiers: Orphanet 182090, MedGen C2973725, MeSH D000081029, MONDO:0015924, HP:0002092.
Hyperinsulinemic hypoglycemia, familial, 1 (HHF1). Also called: Persistent hyperinsulinemic hypoglycemia of infancy; Persistent Hyperinsulinemia Hypoglycemia of Infancy; HYPERINSULINISM, FAMILIAL, WITH PANCREATIC NESIDIOBLASTOSIS; HYPOGLYCEMIA, HYPERINSULINEMIC, OF INFANCY; NESIDIOBLASTOSIS OF PANCREAS. Identifiers: Orphanet 276575, Orphanet 276598, MedGen C2931832, MONDO:0009734, OMIM 256450.
Leucine-induced hypoglycemia (LIH). Also called: LEUCINE-SENSITIVE HYPOGLYCEMIA OF INFANCY. Identifiers: MedGen C0271714, MONDO:0009415, OMIM 240800.

Allele frequency attached by ClinVar (database versions not stated): gnomAD exomes 0.00001 and 0.00003; ExAC 0.00002; TOPMed 0.00002; gnomAD 0.00003.
gnomAD v4.1: 22 of 1,614,086 alleles (0.0014%); highest among the groups gnomAD compares: Middle Eastern, 0.016%; no homozygotes.

Submissions (7):

Clinical Genomics Laboratory, Washington University in St. Louis
Classification: Uncertain significance for Type 2 diabetes mellitus; Diabetes mellitus, permanent neonatal 3; Diabetes mellitus, transient neonatal, 2. Last evaluated: 2025-05-30. Review status: criteria provided, single submitter. Criteria: ACMG Guidelines, 2015. Collection method: clinical testing. Allele origin: germline.
Comment: The ABCC8 c.313C>T (p.His105Tyr) variant has been reported in the heterozygous state in two individuals; one with pulmonary arterial hypertension and another with transient neonatal diabetes mellitus (Bonfanti R et al., PMID: 33606663; Zhu N et al., PMID: 31727138). One individual with hyper-insulinemic hypoglycemia was compound heterozygous for the variant and a pathogenic variant confirmed in trans (Ponzi E et al., PMID: 30193751). This variant is only observed in 22/1,614,086 alleles in the general population (gnomAD v4.1.0), indicating it is not a common variant. Computational predictors indicate that the variant is damaging, evidence that correlates with impact to ABCC8 function. This variant has been reported in the ClinVar database as a germline variant of uncertain significance by five submitters, and likely pathogenic by a single submitter. Due to limited information, and based on ACMG/AMP guidelines for variant interpretation (Richards S et al., PMID: 25741868), the clinical significance of this variant is uncertain at this time.

Labcorp Genetics (formerly Invitae), Labcorp
Classification: Uncertain significance. Last evaluated: 2024-07-15. Review status: criteria provided, single submitter. Criteria: Invitae Variant Classification Sherloc (09022015). Collection method: clinical testing. Allele origin: germline.
Comment: This sequence change replaces histidine, which is basic and polar, with tyrosine, which is neutral and polar, at codon 105 of the ABCC8 protein (p.His105Tyr). This variant is present in population databases (rs766068851, gnomAD 0.02%). This variant has not been reported in the literature in individuals affected with ABCC8-related conditions. ClinVar contains an entry for this variant (Variation ID: 1338432). Advanced modeling of protein sequence and biophysical properties (such as structural, functional, and spatial information, amino acid conservation, physicochemical variation, residue mobility, and thermodynamic stability) performed at Invitae indicates that this missense variant is expected to disrupt ABCC8 protein function with a positive predictive value of 95%. In summary, the available evidence is currently insufficient to determine the role of this variant in disease. Therefore, it has been classified as a Variant of Uncertain Significance.

Fulgent Genetics
Classification: Uncertain significance for Type 2 diabetes mellitus; Leucine-induced hypoglycemia; Hyperinsulinemic hypoglycemia, familial, 1; Diabetes mellitus, transient neonatal, 2; Diabetes mellitus, permanent neonatal 3. Last evaluated: 2024-06-04. Review status: criteria provided, single submitter. Criteria: ACMG Guidelines, 2015. Collection method: clinical testing. Allele origin: germline.

GeneDx
Classification: Uncertain significance. Last evaluated: 2024-01-12. Review status: criteria provided, single submitter. Criteria: GeneDx Variant Classification Process June 2021. Collection method: clinical testing. Allele origin: germline.
Comment: In silico analysis supports that this missense variant has a deleterious effect on protein structure/function; This variant is associated with the following publications: (PMID: 31727138, 37717846, 30193751, 33606663)

Department of Pathology and Laboratory Medicine, Sinai Health System
Classification: Uncertain significance for pulmonary arterial hypertension. Last evaluated: 2023-09-12. Review status: criteria provided, single submitter. Criteria: ACMG Guidelines, 2015. Collection method: research. Allele origin: germline.

Revvity Omics, Revvity
Classification: Uncertain significance. Last evaluated: 2022-10-14. Review status: criteria provided, single submitter. Criteria: ACMG Guidelines, 2015. Collection method: clinical testing. Allele origin: germline.

Genetic Services Laboratory, University of Chicago
Classification: Likely pathogenic. Last evaluated: 2018-08-09. Review status: criteria provided, single submitter. Criteria: ACMG Guidelines, 2015. Collection method: clinical testing. Allele origin: germline. Affected: yes.
Comment: The c.313C>T sequence change occurs in exon 3 and results in an amino acid change, p.His105Tyr. The p.His105Tyr change affects a highly conserved amino acid residue located in a domain of the ABCC8 protein that is not known to be functional. The p.His105Tyr substitution appears to be deleterious using several in-silico pathogenicity prediction tools (SIFT, PolyPhen2, REVEL). This particular amino acid change does not appear to have been described in the literature in other patients with ABCC8-related hyperinsulinism, however, a different pathogenic sequence change affecting the same amino acid residue (p.His105Pro) has been described in a patient with ABCC8-related hyperinsulinism, in the compound heterozygous state with another pathogenic variant (Zhang et al., 2015. Gene 572(2):222-6). This sequence change has been described in the gnomAD database with a very low population frequency of 0.003% (dbSNP rs766068851). " DNA sequence analysis of the ABCC8 gene demonstrated a sequence change, c.313C>T, that occurs in exon 3 and results in an amino acid change, p.His105Tyr. The p.His105Tyr change affects a highly conserved amino acid residue located in a domain of the ABCC8 protein that is not known to be functional. The p.His105Tyr substitution appears to be deleterious using several in-silico pathogenicity prediction tools (SIFT, PolyPhen2, REVEL). This particular amino acid change does not appear to have been described in the literature in other patients with ABCC8-related hyperinsulinism, however, a different pathogenic sequence change affecting the same amino acid residue (p.His105Pro) has been described in a patient with ABCC8-related hyperinsulinism, in the compound heterozygous state with another pathogenic variant (Zhang et al., 2015. Gene 572(2):222-6). This sequence change has been described in the gnomAD database with a very low population frequency of 0.003% (dbSNP rs766068851).

NM_000352.6(ABCC8):c.313C>T (p.His105Tyr)

Gene: ABCC8 (ATP binding cassette subfamily C member 8; minus strand). Cytogenetic location: 11p15.1.
Variant type: single nucleotide variant.
Coding change: c.313C>T on transcript NM_000352.6 (MANE Select); coding-DNA position 313, C replaced by T.
Protein change: p.His105Tyr; replaces histidine 105 with tyrosine.
Molecular consequence: missense variant. On other transcripts: non-coding transcript variant (1).
Genome position (GRCh38, 1-based): chr11:17,470,200, G>A on the plus strand (C>T on the coding strand, the complement: ABCC8 is on the minus strand). VCF-style: chr11-17470200-G-A. GRCh37 (hg19) VCF-style: chr11-17491747-G-A.
Other names: c.313C>T (NM_000352.5); c.313C>T, p.His105Tyr (NM_001287174.3, NM_001351295.2, NM_001351296.2 and 1 more transcripts); short protein forms H105Y.
Identifiers: ClinVar variation 1338432 (VCV001338432.13), dbSNP rs766068851, ClinGen allele CA5903909.